The following is an entry in ClinVar:

ClinVar aggregate classification (germline): Uncertain significance. Review status: criteria provided, multiple submitters, no conflicts (2 of 4 stars). 3 submissions from 3 submitters: Uncertain significance (3). Last evaluated 2026-03-27.

Conditions:
Cardiovascular phenotype. Identifiers: MedGen CN230736.
Familial hypobetalipoproteinemia 1. Also called: APOB-Related Familial Hypobetalipoproteinemia; Hypobetalipoproteinemia, normotriglyceridemic; Acanthocytosis with hypobetalipoproteinemia. Identifiers: MedGen C4551990, MONDO:0014252, OMIM 615558.
Hypercholesterolemia, autosomal dominant, type B (FHCL2). Also called: Familial Hypercholesterolemia Type B; APOLIPOPROTEIN B-100, FAMILIAL DEFECTIVE; APOLIPOPROTEIN B-100, FAMILIAL LIGAND-DEFECTIVE; HYPERCHOLESTEROLEMIA, FAMILIAL, DUE TO LIGAND-DEFECTIVE APOLIPOPROTEIN B; APOB-Related Familial Hypercholesterolemia, Autosomal Dominant; Familial hypercholesterolemia 2. Identifiers: MedGen C1704417, MONDO:0007751, OMIM 144010.

Allele frequency attached by ClinVar (database versions not stated): gnomAD exomes below 0.00001 and 0.00001; gnomAD 0.00001; TOPMed 0.00001; ExAC 0.00001.

Submissions (3):

GeneDx
Classification: Uncertain significance. Last evaluated: 2026-03-27. Review status: criteria provided, single submitter. Criteria: GeneDx Variant Classification Process June 2021. Collection method: clinical testing. Allele origin: germline.
Comment: Not observed at significant frequency in large population cohorts (gnomAD); In silico analysis supports that this missense variant has a deleterious effect on protein structure/function; Has not been previously published as pathogenic or benign to our knowledge

Labcorp Genetics (formerly Invitae), Labcorp
Classification: Uncertain significance for Familial hypobetalipoproteinemia 1; Hypercholesterolemia, autosomal dominant, type B. Last evaluated: 2025-06-23. Review status: criteria provided, single submitter. Criteria: Invitae Variant Classification Sherloc (09022015). Collection method: clinical testing. Allele origin: germline.
Comment: This sequence change replaces isoleucine, which is neutral and non-polar, with threonine, which is neutral and polar, at codon 3435 of the APOB protein (p.Ile3435Thr). This variant is present in population databases (rs768980816, gnomAD 0.0009%). This variant has not been reported in the literature in individuals affected with APOB-related conditions. ClinVar contains an entry for this variant (Variation ID: 1503072). Invitae Evidence Modeling of protein sequence and biophysical properties (such as structural, functional, and spatial information, amino acid conservation, physicochemical variation, residue mobility, and thermodynamic stability) indicates that this missense variant is not expected to disrupt APOB protein function with a negative predictive value of 95%. In summary, the available evidence is currently insufficient to determine the role of this variant in disease. Therefore, it has been classified as a Variant of Uncertain Significance.

Ambry Genetics
Classification: Uncertain significance for Cardiovascular phenotype. Last evaluated: 2024-06-03. Review status: criteria provided, single submitter. Criteria: Ambry Variant Classification Scheme 2023. Collection method: clinical testing. Allele origin: germline.
Comment: The p.I3435T variant (also known as c.10304T>C), located in coding exon 26 of the APOB gene, results from a T to C substitution at nucleotide position 10304. The isoleucine at codon 3435 is replaced by threonine, an amino acid with similar properties. This amino acid position is poorly conserved in available vertebrate species. In addition, this alteration is predicted to be tolerated by in silico analysis. Based on the available evidence, the clinical significance of this variant remains unclear.

NM_000384.3(APOB):c.10304T>C (p.Ile3435Thr)

Gene: APOB (apolipoprotein B; minus strand). Cytogenetic location: 2p24.1.
Variant type: single nucleotide variant.
Coding change: c.10304T>C on transcript NM_000384.3 (MANE Select); coding-DNA position 10304, T replaced by C.
Protein change: p.Ile3435Thr; replaces isoleucine 3435 with threonine.
Molecular consequence: missense variant.
Genome position (GRCh38, 1-based): chr2:21,006,564, A>G on the plus strand (T>C on the coding strand, the complement: APOB is on the minus strand). VCF-style: chr2-21006564-A-G. GRCh37 (hg19) VCF-style: chr2-21229436-A-G.
Other names: short protein forms I3435T.
Identifiers: ClinVar variation 1503072 (VCV001503072.8), dbSNP rs768980816, ClinGen allele CA043140.
Genomic context (GRCh38, chr2:21,006,564, plus strand): 5'-GAGACAGTAGGTTTTGACTTGGTATTTCCATTAAGTTCTTGCTTGAAATTCATTCTCAAA[A>G]TTGGAATTTGGGCTTTTGTGGTTGTTGCCACTGACACTTCCATATTTTTCGTGGTTAAGC-3'
Protein context (NP_000375.3, residues 3425-3445): VATTTKAQIP[Ile3435Thr]LRMNFKQELN